The following is an entry in ClinVar:

ClinVar aggregate classification (germline): Uncertain significance (1 of 4 stars; one submission).

Conditions:
Cardiovascular phenotype. Identifiers: MedGen CN230736.

Submission:

Ambry Genetics
Classification: Uncertain significance for Cardiovascular phenotype. Last evaluated: 2024-05-26. Review status: criteria provided, single submitter. Criteria: Ambry Variant Classification Scheme 2023. Collection method: clinical testing. Allele origin: germline.
Comment: The p.E2684Q variant (also known as c.8050G>C), located in coding exon 38 of the ANK2 gene, results from a G to C substitution at nucleotide position 8050. The glutamic acid at codon 2684 is replaced by glutamine, an amino acid with highly similar properties. This amino acid position is conserved. In addition, the in silico prediction for this alteration is inconclusive. Based on the available evidence, the clinical significance of this variant remains unclear.

NM_001148.6(ANK2):c.8050G>C (p.Glu2684Gln)

Gene: ANK2 (ankyrin 2; plus strand). Cytogenetic location: 4q26.
Variant type: single nucleotide variant.
Coding change: c.8050G>C on transcript NM_001148.6 (MANE Select); coding-DNA position 8050, G replaced by C.
Protein change: p.Glu2684Gln; replaces glutamic acid 2684 with glutamine.
Molecular consequence: missense variant. On other transcripts: intron variant (68).
Genome position (GRCh38, 1-based): chr4:113,356,668, G>C. VCF-style: chr4-113356668-G-C. GRCh37 (hg19) VCF-style: chr4-114277824-G-C.
Other names: c.7816G>C, p.Glu2606Gln (NM_001386142.1); c.4450G>C, p.Glu1484Gln (NM_001386166.1); c.8191G>C, p.Glu2731Gln (NM_001386174.1); c.8167G>C, p.Glu2723Gln (NM_001386175.1); c.4412-4155G>C (NM_001386186.2, NM_001386148.2); c.4214-4155G>C (NM_001354269.3); c.4292-4155G>C (NM_001386187.2); c.4253-4155G>C (NM_001386147.1); and 35 more; short protein forms E1484Q, E2723Q, E2684Q, E2731Q, E2606Q.
Identifiers: ClinVar variation 3295051 (VCV003295051.1).